The following is an entry in ClinVar:

NM_001606.5(ABCA2):c.1691C>T (p.Ala564Val)

Gene: ABCA2 (ATP binding cassette subfamily A member 2; minus strand). Cytogenetic location: 9q34.3.
Variant type: single nucleotide variant.
Coding change: c.1691C>T on transcript NM_001606.5 (MANE Select); coding-DNA position 1691, C replaced by T.
Protein change: p.Ala564Val; replaces alanine 564 with valine.
Molecular consequence: missense variant.
Genome position (GRCh38, 1-based): chr9:137,018,934, G>A on the plus strand (C>T on the coding strand, the complement: ABCA2 is on the minus strand). VCF-style: chr9-137018934-G-A. GRCh37 (hg19) VCF-style: chr9-139913386-G-A.
Other names: c.1688C>T, p.Ala563Val (NM_001411042.1); c.1781C>T, p.Ala594Val (NM_212533.3); short protein forms A563V, A564V, A594V.
Identifiers: ClinVar variation 3358752 (VCV003358752.2).

ClinVar aggregate classification (germline): Uncertain significance. Review status: criteria provided, single submitter (1 of 4 stars). 2 submissions from 2 submitters: Uncertain significance (1). 1 of the submissions does not count toward it. Last evaluated 2025-10-23.

Conditions:
ABCA2-related disorder. Also called: ABCA2-related condition.

Submissions (2):

Ambry Genetics
Classification: Uncertain significance. Last evaluated: 2025-10-23. Review status: criteria provided, single submitter. Criteria: Ambry Variant Classification Scheme 2023. Collection method: clinical testing. Allele origin: germline.

PreventionGenetics, part of Exact Sciences
Classification: Uncertain significance for ABCA2-related condition. Last evaluated: 2024-06-07. Review status: no assertion criteria provided. Collection method: clinical testing. Allele origin: germline. Not counted in ClinVar's aggregate classification.
Comment: The ABCA2 c.1781C>T variant is predicted to result in the amino acid substitution p.Ala594Val. To our knowledge, this variant has not been reported in the literature. This variant is reported in 0.0065% of alleles in individuals of African descent in gnomAD. At this time, the clinical significance of this variant is uncertain due to the absence of conclusive functional and genetic evidence.